The following is an entry in ClinVar:

ClinVar aggregate classification (germline): Conflicting classifications of pathogenicity. Review status: criteria provided, conflicting classifications (1 of 4 stars). 2 submissions from 1 submitter: Uncertain significance (1); Likely benign (1). Last evaluated 2018-01-12.

Conditions:
Retinitis pigmentosa (RP). Identifiers: Orphanet 791, MedGen C0035334, MeSH D012174, MONDO:0019200, OMIM 268000. Inheritance: Autosomal dominant, autosomal recessive and X linked inheritance.
Congenital stationary night blindness autosomal dominant 2. Also called: NIGHT BLINDNESS, CONGENITAL STATIONARY, RAMBUSCH TYPE. Identifiers: Orphanet 215, MedGen C1876182, MONDO:0008099, OMIM 163500.

Allele frequency attached by ClinVar (database versions not stated): gnomAD exomes 0.00017; 1000 Genomes Project 30x 0.00078; 1000 Genomes Project 0.00080; gnomAD 0.00163 and 0.00180; TOPMed 0.00178.
gnomAD v4.1: 253 of 202,254 alleles (0.13%); highest among the groups gnomAD compares: African/African-American, 0.57%; 1 homozygote.

Submissions (2):

Illumina Laboratory Services, Illumina
Classification: Uncertain significance for Retinitis pigmentosa. Last evaluated: 2018-01-12. Review status: criteria provided, single submitter. Criteria: ICSL Variant Classification Criteria 13 December 2019. Collection method: clinical testing. Allele origin: germline.

Illumina Laboratory Services, Illumina
Classification: Likely benign for Congenital stationary night blindness autosomal dominant 2. Last evaluated: 2018-01-12. Review status: criteria provided, single submitter. Criteria: ICSL Variant Classification Criteria 13 December 2019. Collection method: clinical testing. Allele origin: germline.
Comment: This variant was observed in the ICSL laboratory as part of a predisposition screen in an ostensibly healthy population. It had not been previously curated by ICSL or reported in the Human Gene Mutation Database (HGMD: prior to June 1st, 2018), and was therefore a candidate for classification through an automated scoring system. Utilizing variant allele frequency, disease prevalence and penetrance estimates, and inheritance mode, an automated score was calculated to assess if this variant is too frequent to cause the disease. Based on the score and internal cut-off values, a variant classified as likely benign is not then subjected to further curation. The score for this variant resulted in a classification of likely benign for this disease.

NM_000283.4(PDE6B):c.*474C>G

Gene: PDE6B (phosphodiesterase 6B; plus strand). Cytogenetic location: 4p16.3.
Variant type: single nucleotide variant.
Coding change: c.*474C>G on transcript NM_000283.4 (MANE Select); 474 bases downstream of the stop codon, C replaced by G.
Molecular consequence: 3 prime UTR variant.
Genome position (GRCh38, 1-based): chr4:670,581, C>G. VCF-style: chr4-670581-C-G. GRCh37 (hg19) VCF-style: chr4-664370-C-G.
Other names: c.*474C>G (NM_001145291.2, NM_001145292.2, NM_001379246.1 and 1 more transcripts); c.*367C>G (NM_001350154.3, NM_001350155.3).
Identifiers: ClinVar variation 907297 (VCV000907297.4), dbSNP rs577140751, ClinGen allele CA91097061.